The following is an entry in ClinVar:

ClinVar aggregate classification (germline): Uncertain significance. Review status: criteria provided, multiple submitters, no conflicts (2 of 4 stars). 4 submissions from 4 submitters: Uncertain significance (4). Last evaluated 2025-10-31.

Conditions:
Cardiovascular phenotype. Identifiers: MedGen CN230736.
Long QT syndrome (LQTS). Identifiers: MedGen C0023976, MeSH D008133, MONDO:0002442. Disease mechanism: loss of function. Inheritance: Various modes of inheritance.

Allele frequency attached by ClinVar (database versions not stated): gnomAD 0.00003; TOPMed 0.00003.
gnomAD v4.1: 21 of 1,303,178 alleles (0.0016%); highest among the groups gnomAD compares: Admixed American, 0.02%; no homozygotes.

Submissions (4):

Labcorp Genetics (formerly Invitae), Labcorp
Classification: Uncertain significance for Long QT syndrome. Last evaluated: 2025-10-31. Review status: criteria provided, single submitter. Criteria: Invitae Variant Classification Sherloc (09022015). Collection method: clinical testing. Allele origin: germline.
Comment: This sequence change replaces proline, which is neutral and non-polar, with threonine, which is neutral and polar, at codon 61 of the KCNQ1 protein (p.Pro61Thr). This variant is not present in population databases (gnomAD no frequency). This missense change has been observed in individual(s) with clinical features of KCNQ1-related conditions (PMID: 34505893). ClinVar contains an entry for this variant (Variation ID: 517627). Invitae Evidence Modeling of protein sequence and biophysical properties (such as structural, functional, and spatial information, amino acid conservation, physicochemical variation, residue mobility, and thermodynamic stability) indicates that this missense variant is not expected to disrupt KCNQ1 protein function with a negative predictive value of 95%. In summary, the available evidence is currently insufficient to determine the role of this variant in disease. Therefore, it has been classified as a Variant of Uncertain Significance.

Ambry Genetics
Classification: Uncertain significance for Cardiovascular phenotype. Last evaluated: 2023-11-22. Review status: criteria provided, single submitter. Criteria: Ambry Variant Classification Scheme 2023. Collection method: clinical testing. Allele origin: germline.
Comment: The p.P61T variant (also known as c.181C>A), located in coding exon 1 of the KCNQ1 gene, results from a C to A substitution at nucleotide position 181. The proline at codon 61 is replaced by threonine, an amino acid with highly similar properties. This alteration has been reported in association with long QT syndrome (Walsh R et al. Genet Med, 2021 Jan;23:47-58; Schwartz PJ et al. Eur Heart J, 2021 Dec;42:4743-4755). This amino acid position is well conserved in available vertebrate species. In addition, the in silico prediction for this alteration is inconclusive. Since supporting evidence is limited at this time, the clinical significance of this alteration remains unclear.

GeneDx
Classification: Uncertain significance. Last evaluated: 2019-08-16. Review status: criteria provided, single submitter. Criteria: GeneDx Variant Classification Process June 2021. Collection method: clinical testing. Allele origin: germline. Affected: yes.
Comment: Has not been previously published as pathogenic or benign to our knowledge; Not observed in large population cohorts (Lek et al., 2016); In silico analysis, which includes splice predictors and evolutionary conservation, suggests this variant may impact gene splicing. In the absence of RNA/functional studies, the actual effect of this sequence change is unknown.

Laboratory for Molecular Medicine, Mass General Brigham Personalized Medicine
Classification: Uncertain significance. Last evaluated: 2017-11-15. Review status: criteria provided, single submitter. Criteria: LMM Criteria. Collection method: clinical testing. Allele origin: germline. Observed: 1 variant allele.
Comment: The p.Pro61Thr variant in KCNQ1 has not been previously reported in individuals with hearing loss or long QT syndrome and was absent from large population studi es. Computational prediction tools and conservation analysis suggest that the p. Pro61Thr variant may not impact the protein, though this information is not pred ictive enough to rule out pathogenicity. In summary, the clinical significance o f the p.Pro61Thr variant is uncertain. ACMG/AMP Criteria applied: PM2, BP4.

Literature cited by the submitters: PubMed 34505893 (cited by Labcorp Genetics (formerly Invitae), Labcorp and Ambry Genetics); PubMed 32893267 (cited by Ambry Genetics).

NM_000218.3(KCNQ1):c.181C>A (p.Pro61Thr)

Gene: KCNQ1 (potassium voltage-gated channel subfamily Q member 1; plus strand). Cytogenetic location: 11p15.5.
Variant type: single nucleotide variant.
Coding change: c.181C>A on transcript NM_000218.3 (MANE Select); coding-DNA position 181, C replaced by A.
Protein change: p.Pro61Thr; replaces proline 61 with threonine.
Molecular consequence: missense variant.
Genome position (GRCh38, 1-based): chr11:2,445,279, C>A. VCF-style: chr11-2445279-C-A. GRCh37 (hg19) VCF-style: chr11-2466509-C-A.
Other names: short protein forms P61T.
Identifiers: ClinVar variation 517627 (VCV000517627.9), dbSNP rs1273257287, ClinGen allele CA379116520.